The following is an entry in ClinVar:

NM_000143.4(FH):c.1229C>G (p.Pro410Arg)

Gene: FH (fumarate hydratase; minus strand). Cytogenetic location: 1q43.
Variant type: single nucleotide variant.
Coding change: c.1229C>G on transcript NM_000143.4 (MANE Select); coding-DNA position 1229, C replaced by G.
Protein change: p.Pro410Arg; replaces proline 410 with arginine.
Molecular consequence: missense variant.
Genome position (GRCh38, 1-based): chr1:241,502,450, G>C on the plus strand (C>G on the coding strand, the complement: FH is on the minus strand). VCF-style: chr1-241502450-G-C. GRCh37 (hg19) VCF-style: chr1-241665750-G-C.
Other names: short protein forms P410R.
Identifiers: ClinVar variation 858450 (VCV000858450.10), dbSNP rs1057517735, ClinGen allele CA345437241.

ClinVar aggregate classification (germline): Uncertain significance (1 of 4 stars; one submission).

Submission:

Labcorp Genetics (formerly Invitae), Labcorp
Classification: Uncertain significance. Last evaluated: 2020-08-10. Review status: criteria provided, single submitter. Criteria: Invitae Variant Classification Sherloc (09022015). Collection method: clinical testing. Allele origin: germline.
Comment: This sequence change replaces proline with arginine at codon 410 of the FH protein (p.Pro410Arg). The proline residue is highly conserved and there is a moderate physicochemical difference between proline and arginine. This variant is not present in population databases (ExAC no frequency). This variant has not been reported in the literature in individuals with FH-related conditions. ClinVar contains an entry for this variant (Variation ID: 858450). In summary, the available evidence is currently insufficient to determine the role of this variant in disease. Therefore, it has been classified as a Variant of Uncertain Significance. Algorithms developed to predict the effect of missense changes on protein structure and function are either unavailable or do not agree on the potential impact of this missense change (SIFT: "Deleterious"; PolyPhen-2: "Probably Damaging"; Align-GVGD: "Class C0").